The following is an entry in ClinVar:

NC_012920.1(MT-ND6):m.14484T>C

Gene: MT-ND6 (mitochondrially encoded NADH dehydrogenase 6; minus strand).
Variant type: single nucleotide variant.
Genome position: chrM-14484-T-C.
Identifiers: ClinVar variation 9688 (VCV000009688.36), dbSNP rs199476104, ClinGen allele CA340932.

ClinVar aggregate classification (germline): Pathogenic. Review status: reviewed by expert panel (3 of 4 stars). 18 submissions from 16 submitters: Pathogenic (1). 17 of the submissions do not count toward it. Last evaluated 2022-09-12.

Conditions:
Primary Mitochondrial Disorders. Identifiers: MedGen CN381104.
Retinal dystrophy. Also called: Inherited retinal dystrophy. Identifiers: Orphanet 71862, MedGen C0854723, MeSH D058499, MONDO:0019118, HP:0000556.
Optic atrophy. Identifiers: MedGen C0029124, MONDO:0003608, HP:0000648.
Mitochondrial disease. Also called: Mitochondrial disorders; Mitochondrial disorder. Identifiers: Orphanet 68380, MedGen C0751651, MeSH D028361, MONDO:0044970.
MELAS syndrome (MELAS). Also called: Juvenile myopathy, encephalopathy, lactic acidosis, stroke. Identifiers: Orphanet 550, MedGen C0162671, MONDO:0010789, OMIM 540000.
Leigh syndrome (NULS). Also called: Leigh's necrotizing encephalopathy; Leigh's disease; Leigh's syndrome; Subacute necrotizing encephalopathy; Necrotizing encephalopathy infantile subacute of Leigh; Leigh Syndrome (mtDNA deletion). Identifiers: Orphanet 506, MedGen C2931891, MONDO:0009723, OMIM 256000.
Leber optic atrophy (LHON). Also called: Leber's disease; Leber's optic atrophy; Optic Atrophy, Hereditary, Leber; Leber hereditary optic neuropathy. Identifiers: Orphanet 104, MedGen C0917796, MONDO:0010788, OMIM 535000, HP:0001112.

Submissions 1 to 10 of 18:

ClinGen Mitochondrial Disease Nuclear and Mitochondrial  Variant Curation Expert Panel, ClinGen
Classification: Pathogenic for Mitochondrial disease. Last evaluated: 2022-09-12. Review status: reviewed by expert panel. Criteria: McCormick et al. (Hum Mutat. 2020). Collection method: curation. Allele origin: germline. Inheritance: Mitochondrial inheritance.
Comment: The m.14484T>C (p.M64V) variant in MT-ND6 has been reported in >50 unrelated individuals with primary mitochondrial disease (PS4). This variant is one of the three most common variants associated with Leber Hereditary Optic Neuropathy (LHON; PMID: 20301353) and is associated with a less severe phenotype, with visual recovery seen in some individuals. The age of onset ranges from adolescence to adulthood. While most affected individuals with this variant have LHON, other features have been seen including migraines (PMID: 12601121), tremor (PMID: 8931573), multiple sclerosis (PMIDs: 10098545, 35773337), and cardiac involvement (PMIDs: 12807863, 22749828). This variant is consistently seen in the homoplasmic state (PMIDs: 9484365, 24508359, 28392196, PMID: 9339703, 8659531, 7611298, 7604366, 7603534, 8071952, 7877803, 1463007, 1417830, 1732158, 2018041). Several extended families have been reported in the medical literature however family member testing was not performed or the variant was homoplasmic and thus prevented consideration for segregation evidence of pathogenicity. There is at least one de novo occurrence reported in the medical literature (PM6_supporting; PMID: 9339703). Furthermore, the presence of this variant in individuals from different haplogroups suggests this variant occurred de novo in the ancestors of these individuals of different backgrounds. This variant is present in the healthy population, which is to be expected given the known reduced penetrance of this variant. The computational predictor APOGEE gives a consensus rating of pathogenic with a score of 0.95 (Min=0, Max=1), which predicts a damaging effect on gene function (PP3). Other variants at this amino acid position leading to a different amino acid change are known disease-associated variants – m.14482C>G and m.14482C>A that both result in p.M64I (PM5). Multiple independent studies support the functional impact of this variant (PS3_moderate). Eleven cybrid studies revealed various effects including decreased ND6, ND1, and ND4L levels; decreased complex I activity; respiratory deficiency; diminished mitochondrial ATP production; reduced membrane potential; and increased production of reactive oxygen species (ROS). Cybrid cells also had increased apoptosis, autophagy, and mitophagy (PMIDs: 35567411, 25909222, 20943885, 19047048, 18806273, 15883259, 15342361, 12446713, 12379308, 35858578). In summary, this variant meets criteria to be classified as pathogenic for primary mitochondrial disease inherited in a mitochondrial manner. This classification was approved by the NICHD/NINDS U24 ClinGen Mitochondrial Disease Variant Curation Expert Panel on September 12, 2022. Mitochondrial DNA-specific ACMG/AMP criteria applied (PMID: 32906214): PS4, PP3, PM5, PM6_supporting, PS3_moderate.

Department of Molecular Genetics, Istishari Arab Hospital
Classification: Pathogenic for Leber optic atrophy. Last evaluated: 2026-07-14. Review status: criteria provided, single submitter. Criteria: ACMG Guidelines, 2015. Collection method: clinical testing. Allele origin: maternal. Inheritance: Mitochondrial inheritance. Affected: yes. Not counted in ClinVar's aggregate classification.
Comment: This variant is one of the primary pathogenic variants causing Leber hereditary optic neuropathy (LHON) and accounts for approximately 14% of reported LHON cases. It demonstrates reduced penetrance, with visual loss occurring in approximately one-third of carriers and a marked male predominance (PMID: 12827453).

3billion
Classification: Pathogenic for MELAS syndrome. Last evaluated: 2026-01-21. Review status: criteria provided, single submitter. Criteria: ACMG Guidelines, 2015. Collection method: clinical testing. Allele origin: germline. Affected: yes. Not counted in ClinVar's aggregate classification.
Comment: The variant is observed in the gnomAD v4.1.0 dataset (total allele frequency: 0.012%, homoplasmic allele frequency: 0.053%). Predicted Consequence/Location: Mitochondrial variant Functional studies provide moderate evidence of the variant having a damaging effect on the gene or gene product (PMID: 12379308, 12446713, 15342361, 15883259, 18806273, 19047048, 20943885, 25909222, 35567411, 35858578). In silico tool predictions suggest damaging effect of the variant on gene or gene product [APOGEE2: 0.90 (>= 0.716)]. The same nucleotide change resulting in the same amino acid change has been previously reported as pathogenic/likely pathogenic with strong evidence (3billion dataset/ClinVar ID: VCV000009688). The variant has been observed in multiple (>3) similarly affected unrelated individuals (PMID: 24508359, 28392196, 9484365). Therefore, this variant is classified as Pathogenic according to the recommendation of ACMG/AMP guideline.

Variantyx, Inc.
Classification: Pathogenic for Primary mitochondrial disorders. Last evaluated: 2026-01-05. Review status: criteria provided, single submitter. Criteria: Variantyx Assertion Criteria 2022. Collection method: clinical testing. Allele origin: germline. Not counted in ClinVar's aggregate classification.
Comment: The m.14484T>C, c.190A>G, p.Met64Val change is a nonsynonymous variant in the MT-ND6 gene. Pathogenic variants in this gene have been associated with primary mitochondrial disorders. This variant is one of the three most common variants associated with Leber hereditary optic neuropathy (LHON; PMID: 20301353). It has also been described in association with additional phenotypes such as migraines, tremors, multiple sclerosis, and cardiac problems (PMID: 12601121, 8931573, 22749828, 10098545). It has been reported in many unrelated affected individuals (PMID: 1417830,8755941, 12464728, 33360266) (PS4_Very Strong). The penetrance of this variant is variable across studies and appears to be influenced by multiple factors such as haplogroup, as it is noted to exhibit higher penetrance when present in the J1 subhaplogroup background (PMID: 23674761). Additionally, males with this variant are nearly 8 times more likely to develop symptoms than females (PMID: 9484365). Functional studies support a deleterious effect for this variant (PMID: 10976107, 15883259, 37537557) (PS3_Moderate), while computational algorithms produce conflicting evidence regarding the predicted functional impact of this variant (Aggregate Predicted Severity: 0.42). . An alternate amino acid change at this position (p.Met64Ile) has been previously reported in affected individuals (PMID: 19319978, 12112086, 11931086) (PM5). Other reputable laboratories have reported this variant as pathogenic or likely pathogenic, and this classification has been validated by an expert panel in ClinVar (PP5). This variant has a 0.053% homoplasmic allele frequency in control populations. Based on the current evidence, this variant is classified as pathogenic for primary mitochondrial disorders.

Institute of Human Genetics, University of Leipzig Medical Center
Classification: Pathogenic for Leber optic atrophy. Last evaluated: 2025-10-22. Review status: criteria provided, single submitter. Criteria: ACMG Guidelines, 2015. Collection method: clinical testing. Allele origin: unknown. Inheritance: Mitochondrial inheritance. Affected: yes. Not counted in ClinVar's aggregate classification.
Comment: Criteria applied: PS4,PS3_MOD,PM5,PM6_SUP,PP3

Laboratory of Genetics, Children's Clinical University Hospital Latvia
Classification: Pathogenic. Last evaluated: 2025-02-16. Review status: criteria provided, single submitter. Criteria: ACMG Guidelines, 2015. Collection method: clinical testing. Allele origin: germline. Affected: yes. Not counted in ClinVar's aggregate classification.

Clinical Genetics Laboratory, Skane University Hospital Lund
Classification: Pathogenic. Last evaluated: 2022-10-04. Review status: criteria provided, single submitter. Criteria: ACMG Guidelines, 2015. Collection method: clinical testing. Allele origin: germline. Affected: yes. Not counted in ClinVar's aggregate classification.

Mendelics
Classification: Pathogenic for Leber optic atrophy. Last evaluated: 2022-05-04. Review status: criteria provided, single submitter. Criteria: Mendelics Assertion Criteria 2019. Collection method: clinical testing. Allele origin: germline. Not counted in ClinVar's aggregate classification.

MGZ Medical Genetics Center
Classification: Pathogenic for Leber optic atrophy. Last evaluated: 2021-10-18. Review status: criteria provided, single submitter. Criteria: ACMG Guidelines, 2015. Collection method: clinical testing. Allele origin: germline. Affected: yes. Observed: 3 variant alleles. Not counted in ClinVar's aggregate classification.
Comment: ACMG criteria applied: PS1, PS4, PM2_SUP, PP3

Wong Mito Lab, Molecular and Human Genetics, Baylor College of Medicine
Classification: Pathogenic for Leber optic atrophy. Last evaluated: 2019-10-17. Review status: criteria provided, single submitter. Criteria: Modified ACMG Guidelines (Unpublished). Collection method: clinical testing. Allele origin: germline. Not counted in ClinVar's aggregate classification.
Comment: The NC_012920.1:m.14484T>C (YP_003024037.1:p.Met64Val) variant in MTND6 gene is interpretated to be a Pathogenic variant based on the modified ACMG guidelines (unpublished). This variant meets the following evidence codes: PS1, PS4